The following is an entry in ClinVar:

ClinVar aggregate classification (germline): Uncertain significance (1 of 4 stars; one submission).

Conditions:
Hajdu-Cheney syndrome (HJCYS). Also called: SERPENTINE FIBULA-POLYCYSTIC KIDNEY SYNDROME; Acroosteolysis dominant type; ACROOSTEOLYSIS WITH OSTEOPOROSIS AND CHANGES IN SKULL AND MANDIBLE. Identifiers: Orphanet 955, MedGen C0917715, MONDO:0007057, OMIM 102500.

gnomAD v4.1: 4 of 1,613,620 alleles (0.00025%); highest among the groups gnomAD compares: Middle Eastern, 0.017%; no homozygotes.

Submission:

Labcorp Genetics (formerly Invitae), Labcorp
Classification: Uncertain significance for Hajdu-Cheney syndrome. Last evaluated: 2024-10-30. Review status: criteria provided, single submitter. Criteria: Invitae Variant Classification Sherloc (09022015). Collection method: clinical testing. Allele origin: germline.
Comment: This sequence change replaces proline, which is neutral and non-polar, with serine, which is neutral and polar, at codon 287 of the NOTCH2 protein (p.Pro287Ser). This variant is not present in population databases (gnomAD no frequency). This variant has not been reported in the literature in individuals affected with NOTCH2-related conditions. ClinVar contains an entry for this variant (Variation ID: 3014665). Invitae Evidence Modeling of protein sequence and biophysical properties (such as structural, functional, and spatial information, amino acid conservation, physicochemical variation, residue mobility, and thermodynamic stability) indicates that this missense variant is not expected to disrupt NOTCH2 protein function with a negative predictive value of 95%. In summary, the available evidence is currently insufficient to determine the role of this variant in disease. Therefore, it has been classified as a Variant of Uncertain Significance.

NM_024408.4(NOTCH2):c.859C>T (p.Pro287Ser)

Gene: NOTCH2 (notch receptor 2; minus strand). Cytogenetic location: 1p12.
Variant type: single nucleotide variant.
Coding change: c.859C>T on transcript NM_024408.4 (MANE Select); coding-DNA position 859, C replaced by T.
Protein change: p.Pro287Ser; replaces proline 287 with serine.
Molecular consequence: missense variant.
Genome position (GRCh38, 1-based): chr1:119,986,975, G>A on the plus strand (C>T on the coding strand, the complement: NOTCH2 is on the minus strand). VCF-style: chr1-119986975-G-A. GRCh37 (hg19) VCF-style: chr1-120529598-G-A.
Other names: c.859C>T, p.Pro287Ser (NM_001200001.2); short protein forms P287S.
Identifiers: ClinVar variation 3014665 (VCV003014665.3), dbSNP rs372964061, ClinGen allele CA341887416.